The following is an entry in ClinVar:

NM_153676.4(USH1C):c.2374C>T (p.Arg792Trp)

Gene: USH1C (USH1 protein network component harmonin; minus strand). Cytogenetic location: 11p15.1.
Variant type: single nucleotide variant.
Coding change: c.2374C>T on transcript NM_153676.4 (MANE Select); coding-DNA position 2374, C replaced by T.
Protein change: p.Arg792Trp; replaces arginine 792 with tryptophan.
Molecular consequence: missense variant. On other transcripts: non-coding transcript variant (1).
Genome position (GRCh38, 1-based): chr11:17,501,057, G>A on the plus strand (C>T on the coding strand, the complement: USH1C is on the minus strand). VCF-style: chr11-17501057-G-A. GRCh37 (hg19) VCF-style: chr11-17522604-G-A.
Other names: c.1417C>T, p.Arg473Trp (NM_001297764.2); c.1474C>T, p.Arg492Trp (NM_005709.4); c.1474C>T (NM_005709.3); short protein forms R473W, R492W, R792W.
Identifiers: ClinVar variation 992072 (VCV000992072.32), dbSNP rs200428926, ClinGen allele CA5904203.
Genomic context (GRCh38, chr11:17,501,057, plus strand): 5'-CCCGTCTAACCACTGTATCATCCCCAAACCTGGGTGTGGCTAGTCTCCACTCACCATGCC[G>A]CTCAGCAGCTCCCCGCTCATACACAGCAGAAACGACCACCTTCCCAATGGGGGAGTCCAC-3'
Protein context (NP_710142.1, residues 782-802): SAVYERGAAE[Arg792Trp]HGGIVKGDEI

ClinVar aggregate classification (germline): Uncertain significance. Review status: criteria provided, multiple submitters, no conflicts (2 of 4 stars). 6 submissions from 6 submitters: Uncertain significance (5). 1 of the submissions does not count toward it. Last evaluated 2026-07-28.

Conditions:
Inborn genetic diseases. Identifiers: MedGen C0950123, MeSH D030342.
Autosomal recessive nonsyndromic hearing loss 18A. Also called: Deafness, autosomal recessive 18A; DEAFNESS, AUTOSOMAL RECESSIVE 18. Identifiers: Orphanet 90636, MedGen C1865870, MONDO:0011192, OMIM 602092.
Usher syndrome type 1 (USH1). Also called: RETINITIS PIGMENTOSA AND CONGENITAL DEAFNESS. Identifiers: Orphanet 231169, Orphanet 886, MedGen C1568247, MONDO:0010168, OMIM 276900.
Usher syndrome type 1C. Also called: USHER SYNDROME, TYPE I, ACADIAN VARIETY. Identifiers: Orphanet 231169, Orphanet 886, MedGen C1848604, MONDO:0010171, OMIM 276904.

Allele frequency attached by ClinVar (database versions not stated): gnomAD 0.00003 and 0.00004; TOPMed 0.00005; 1000 Genomes Project 0.00040; 1000 Genomes Project 30x 0.00094.
gnomAD v4.1: 65 of 1,613,346 alleles (0.004%); highest among the groups gnomAD compares: Admixed American, 0.043%; no homozygotes.

Submissions (6):

GeneDx
Classification: Uncertain significance. Last evaluated: 2026-07-28. Review status: criteria provided, single submitter. Criteria: GeneDx Variant Classification Process June 2021. Collection method: clinical testing. Allele origin: germline.
Comment: In silico analysis supports that this missense variant has a deleterious effect on protein structure/function; Has not been previously published as pathogenic or benign to our knowledge

Ambry Genetics
Classification: Uncertain significance for Inborn genetic diseases. Last evaluated: 2025-08-12. Review status: criteria provided, single submitter. Criteria: Ambry Variant Classification Scheme 2023. Collection method: clinical testing. Allele origin: germline.

Labcorp Genetics (formerly Invitae), Labcorp
Classification: Uncertain significance. Last evaluated: 2023-12-11. Review status: criteria provided, single submitter. Criteria: Invitae Variant Classification Sherloc (09022015). Collection method: clinical testing. Allele origin: germline.
Comment: This sequence change replaces arginine, which is basic and polar, with tryptophan, which is neutral and slightly polar, at codon 492 of the USH1C protein (p.Arg492Trp). This variant is present in population databases (rs200428926, gnomAD 0.07%). This variant has not been reported in the literature in individuals affected with USH1C-related conditions. ClinVar contains an entry for this variant (Variation ID: 992072). An algorithm developed to predict the effect of missense changes on protein structure and function (PolyPhen-2) suggests that this variant is likely to be disruptive. In summary, the available evidence is currently insufficient to determine the role of this variant in disease. Therefore, it has been classified as a Variant of Uncertain Significance.

CeGaT Center for Human Genetics Tuebingen
Classification: Uncertain significance. Last evaluated: 2023-05-01. Review status: criteria provided, single submitter. Criteria: CeGaT Center For Human Genetics Tuebingen Variant Classification Criteria Version 2. Collection method: clinical testing. Allele origin: germline. Affected: yes. Observed: 1 variant allele.

Fulgent Genetics
Classification: Uncertain significance for Usher syndrome type 1; Usher syndrome type 1C; Autosomal recessive nonsyndromic hearing loss 18A. Last evaluated: 2021-09-27. Review status: criteria provided, single submitter. Criteria: ACMG Guidelines, 2015. Collection method: clinical testing. Allele origin: unknown.

Natera, Inc.
Classification: Uncertain significance for Usher syndrome type 1C. Last evaluated: 2020-04-11. Review status: no assertion criteria provided. Collection method: clinical testing. Allele origin: germline. Not counted in ClinVar's aggregate classification.